The following is an entry in ClinVar:

ClinVar aggregate classification (germline): Pathogenic/Likely pathogenic. Review status: criteria provided, multiple submitters, no conflicts (2 of 4 stars). 2 submissions from 2 submitters: Pathogenic (1); Likely pathogenic (1). Last evaluated 2023-01-10.

Conditions:
T-B+ severe combined immunodeficiency due to JAK3 deficiency. Also called: SCID, T CELL-NEGATIVE, B CELL-POSITIVE, NK CELL-NEGATIVE; SCID, autosomal recessive, T-negative/B-positive type. Identifiers: Orphanet 35078, MedGen C1833275, MONDO:0010938, OMIM 600802.

Submissions (2):

Labcorp Genetics (formerly Invitae), Labcorp
Classification: Pathogenic for T-B+ severe combined immunodeficiency due to JAK3 deficiency. Last evaluated: 2023-01-10. Review status: criteria provided, single submitter. Criteria: Invitae Variant Classification Sherloc (09022015). Collection method: clinical testing. Allele origin: germline.
Comment: This sequence change creates a premature translational stop signal (p.Gln915*) in the JAK3 gene. It is expected to result in an absent or disrupted protein product. Loss-of-function variants in JAK3 are known to be pathogenic (PMID: 7481768, 11668621). For these reasons, this variant has been classified as Pathogenic. This variant has not been reported in the literature in individuals affected with JAK3-related conditions. This variant is not present in population databases (gnomAD no frequency).

Revvity Omics, Revvity
Classification: Likely pathogenic for T-B+ severe combined immunodeficiency due to JAK3 deficiency. Last evaluated: 2022-08-31. Review status: criteria provided, single submitter. Criteria: ACMG Guidelines, 2015. Collection method: clinical testing. Allele origin: germline.

Literature cited by the submitters: PubMed 7481768 (cited by Labcorp Genetics (formerly Invitae), Labcorp); PubMed 11668621 (cited by Labcorp Genetics (formerly Invitae), Labcorp).

NM_000215.4(JAK3):c.2743C>T (p.Gln915Ter)

Gene: JAK3 (Janus kinase 3; minus strand). Cytogenetic location: 19p13.11.
Variant type: single nucleotide variant.
Coding change: c.2743C>T on transcript NM_000215.4 (MANE Select); coding-DNA position 2743, C replaced by T.
Protein change: p.Gln915Ter; replaces glutamine 915 with a stop codon.
Molecular consequence: nonsense.
Genome position (GRCh38, 1-based): chr19:17,831,736, G>A on the plus strand (C>T on the coding strand, the complement: JAK3 is on the minus strand). VCF-style: chr19-17831736-G-A. GRCh37 (hg19) VCF-style: chr19-17942545-G-A.
Other names: short protein forms Q915*.
Identifiers: ClinVar variation 2440936 (VCV002440936.6), dbSNP rs2147676896, ClinGen allele CA404765643.